The following is an entry in ClinVar:

NM_033642.3(FGF13):c.23A>G (p.Tyr8Cys)

Gene: FGF13 (fibroblast growth factor 13; minus strand). Cytogenetic location: Xq26.3.
Variant type: single nucleotide variant.
Coding change: c.23A>G on transcript NM_033642.3; coding-DNA position 23, A replaced by G.
Protein change: p.Tyr8Cys; replaces tyrosine 8 with cysteine.
Molecular consequence: missense variant. On other transcripts: intron variant (4).
Genome position (GRCh38, 1-based): chrX:138,739,247, T>C on the plus strand (A>G on the coding strand, the complement: FGF13 is on the minus strand). VCF-style: chrX-138739247-T-C. GRCh37 (hg19) VCF-style: chrX-137821409-T-C.
Other names: c.50-30319A>G (NM_001139498.2); c.218-30319A>G (NM_001139500.2); c.131-30319A>G (NM_001139501.2, NM_001139502.2); short protein forms Y8C.
Identifiers: ClinVar variation 3025497 (VCV003025497.21), dbSNP rs148880615, ClinGen allele CA10529570.

ClinVar aggregate classification (germline): Likely benign. Review status: criteria provided, single submitter (1 of 4 stars). 2 submissions from 2 submitters: Likely benign (1). 1 of the submissions does not count toward it. Last evaluated 2024-01-01.

Conditions:
FGF13-related disorder. Also called: FGF13-related condition.

Allele frequency attached by ClinVar (database versions not stated): TOPMed 0.00024; gnomAD 0.00028; gnomAD exomes 0.00065; ESP Exome Variant Server 0.00057; ExAC 0.00058.
gnomAD v4.1: 670 of 1,125,283 alleles (0.06%); highest among the groups gnomAD compares: Non-Finnish European, 0.078%; no homozygotes.

Submissions (2):

CeGaT Center for Human Genetics Tuebingen
Classification: Likely benign. Last evaluated: 2024-01-01. Review status: criteria provided, single submitter. Criteria: CeGaT Center For Human Genetics Tuebingen Variant Classification Criteria Version 2. Collection method: clinical testing. Allele origin: germline. Affected: yes. Observed: 1 variant allele.
Comment: FGF13: BP4, BS2

PreventionGenetics, part of Exact Sciences
Classification: Likely benign for FGF13-related condition. Last evaluated: 2023-05-08. Review status: no assertion criteria provided. Collection method: clinical testing. Allele origin: germline. Not counted in ClinVar's aggregate classification.
Comment: This variant is classified as likely benign based on ACMG/AMP sequence variant interpretation guidelines (Richards et al. 2015 PMID: 25741868, with internal and published modifications).